The following is an entry in ClinVar:

NM_000492.4(CFTR):c.*5C>T

Genes: CFTR (CF transmembrane conductance regulator; plus strand), LOC111674477 (CFTR intron 23 enhancer; plus strand). Cytogenetic location: 7q31.2.
Variant type: single nucleotide variant.
Coding change: c.*5C>T on transcript NM_000492.4 (MANE Select); 5 bases downstream of the stop codon, C replaced by T.
Molecular consequence: 3 prime UTR variant.
Genome position (GRCh38, 1-based): chr7:117,667,113, C>T. VCF-style: chr7-117667113-C-T. GRCh37 (hg19) VCF-style: chr7-117307167-C-T.
Identifiers: ClinVar variation 1789967 (VCV001789967.2), dbSNP rs1278041789, ClinGen allele CA832122448.

ClinVar aggregate classification (germline): Uncertain significance (1 of 4 stars; one submission).

Conditions:
Cystic fibrosis (CF). Also called: MUCOVISCIDOSIS. Identifiers: Orphanet 586, MedGen C0010674, MONDO:0009061, OMIM 219700. Disease mechanism: loss of function.

Allele frequency attached by ClinVar (database versions not stated): TOPMed below 0.00001; gnomAD 0.00001.
gnomAD v4.1: 1 of 1,612,914 alleles (0.000062%); highest among the groups gnomAD compares: East Asian, 0.0022%; no homozygotes.

Submission:

Ambry Genetics
Classification: Uncertain significance for Cystic fibrosis. Last evaluated: 2020-02-17. Review status: criteria provided, single submitter. Criteria: Ambry Variant Classification Scheme 2023. Collection method: clinical testing. Allele origin: germline.
Comment: The c.*5C>T variant is located in the 3' untranslated region (3&rsquo; UTR) of the CFTR gene. This variant results from a C to T substitution 5 nucleotides downstream of the last translated codon. This nucleotide position is not well conserved in available vertebrate species. Since supporting evidence is limited at this time, the clinical significance of this alteration remains unclear.